The following is an entry in ClinVar:

NM_020821.3(VPS13C):c.3313G>A (p.Ala1105Thr)

Gene: VPS13C (vacuolar protein sorting 13 homolog C; minus strand). Cytogenetic location: 15q22.2.
Variant type: single nucleotide variant.
Coding change: c.3313G>A on transcript NM_020821.3 (MANE Select); coding-DNA position 3313, G replaced by A.
Protein change: p.Ala1105Thr; replaces alanine 1105 with threonine.
Molecular consequence: missense variant.
Genome position (GRCh38, 1-based): chr15:61,963,853, C>T on the plus strand (G>A on the coding strand, the complement: VPS13C is on the minus strand). VCF-style: chr15-61963853-C-T. GRCh37 (hg19) VCF-style: chr15-62256052-C-T.
Other names: c.3313G>A, p.Ala1105Thr (NM_001018088.3); c.3184G>A, p.Ala1062Thr (NM_017684.5, NM_018080.4); short protein forms A1062T, A1105T.
Identifiers: ClinVar variation 1938978 (VCV001938978.5), dbSNP rs747305996, ClinGen allele CA7596425.

ClinVar aggregate classification (germline): Uncertain significance (1 of 4 stars; one submission).

Allele frequency attached by ClinVar (database versions not stated): gnomAD exomes 0.00001; ExAC 0.00002; TOPMed 0.00002.
gnomAD v4.1: 10 of 1,608,524 alleles (0.00062%); highest among the groups gnomAD compares: East Asian, 0.0067%; no homozygotes.

Submission:

Labcorp Genetics (formerly Invitae), Labcorp
Classification: Uncertain significance. Last evaluated: 2022-03-28. Review status: criteria provided, single submitter. Criteria: Invitae Variant Classification Sherloc (09022015). Collection method: clinical testing. Allele origin: germline.
Comment: In summary, the available evidence is currently insufficient to determine the role of this variant in disease. Therefore, it has been classified as a Variant of Uncertain Significance. Algorithms developed to predict the effect of missense changes on protein structure and function are either unavailable or do not agree on the potential impact of this missense change (SIFT: "Deleterious"; PolyPhen-2: "Probably Damaging"; Align-GVGD: "Class C0"). This variant has not been reported in the literature in individuals affected with VPS13C-related conditions. This variant is present in population databases (rs747305996, gnomAD 0.02%). This sequence change replaces alanine, which is neutral and non-polar, with threonine, which is neutral and polar, at codon 1105 of the VPS13C protein (p.Ala1105Thr).